The following is an entry in ClinVar:

ClinVar aggregate classification (germline): Likely benign. Review status: criteria provided, single submitter (1 of 4 stars). 2 submissions from 2 submitters: Likely benign (1). 1 of the submissions does not count toward it. Last evaluated 2024-01-18.

Conditions:
GATA5-related disorder. Also called: GATA5-related condition.

Allele frequency attached by ClinVar (database versions not stated): ExAC 0.00008.
gnomAD v4.1: 30 of 1,598,668 alleles (0.0019%); highest among the groups gnomAD compares: South Asian, 0.018%; no homozygotes.

Submissions (2):

Labcorp Genetics (formerly Invitae), Labcorp
Classification: Likely benign. Last evaluated: 2024-01-18. Review status: criteria provided, single submitter. Criteria: Invitae Variant Classification Sherloc (09022015). Collection method: clinical testing. Allele origin: germline.

PreventionGenetics, part of Exact Sciences
Classification: Likely benign for GATA5-related condition. Last evaluated: 2024-08-27. Review status: no assertion criteria provided. Collection method: clinical testing. Allele origin: germline. Not counted in ClinVar's aggregate classification.
Comment: This variant is classified as likely benign based on ACMG/AMP sequence variant interpretation guidelines (Richards et al. 2015 PMID: 25741868, with internal and published modifications).

NM_080473.5(GATA5):c.699+9G>C

Gene: GATA5 (GATA binding protein 5; minus strand). Cytogenetic location: 20q13.33.
Variant type: single nucleotide variant.
Coding change: c.699+9G>C on transcript NM_080473.5 (MANE Select); 9 bases into the intron after coding-DNA position 699, G replaced by C.
Molecular consequence: intron variant.
Genome position (GRCh38, 1-based): chr20:62,473,394, C>G on the plus strand (G>C on the coding strand, the complement: GATA5 is on the minus strand). VCF-style: chr20-62473394-C-G. GRCh37 (hg19) VCF-style: chr20-61048450-C-G.
Other names: c.699+9G>C (NM_080473.4).
Identifiers: ClinVar variation 2727192 (VCV002727192.4), dbSNP rs782776140, ClinGen allele CA9946238.